The following is an entry in ClinVar:

ClinVar aggregate classification (germline): Benign (3 of 4 stars; one submission).

Conditions:
Breast-ovarian cancer, familial, susceptibility to, 1 (BROVCA1). Also called: BRCA1 Hereditary Breast and Ovarian Cancer; OVARIAN CANCER, SUSCEPTIBILITY TO. Identifiers: Orphanet 145, MedGen C2676676, MONDO:0011450, OMIM 604370. Disease mechanism: loss of function.

Allele frequency attached by ClinVar (database versions not stated): gnomAD 0.00985 and 0.01052; 1000 Genomes Project 0.00998; TOPMed 0.01048; 1000 Genomes Project 30x 0.00968.
gnomAD v4.1: 1,483 of 152,208 alleles (0.97%); highest among the groups gnomAD compares: African/African-American, 3.4%; 35 homozygotes.

Submission:

Evidence-based Network for the Interpretation of Germline Mutant Alleles (ENIGMA)
Classification: Benign for Breast-ovarian cancer, familial 1. Last evaluated: 2015-01-12. Review status: reviewed by expert panel. Criteria: ENIGMA BRCA1/2 Classification Criteria (2015). Collection method: curation. Allele origin: germline.
Comment: Class 1 not pathogenic based on frequency >1% in an outbred sampleset. Frequency 0.05691 (African), derived from 1000 genomes (2012-04-30).

NM_007294.4(BRCA1):c.5277+1409G>A

Gene: BRCA1 (BRCA1 DNA repair associated; minus strand). Cytogenetic location: 17q21.31.
Variant type: single nucleotide variant.
Coding change: c.5277+1409G>A on transcript NM_007294.4 (MANE Select); 1409 bases into the intron after coding-DNA position 5277, G replaced by A.
Molecular consequence: intron variant.
Genome position (GRCh38, 1-based): chr17:43,055,643, C>T on the plus strand (G>A on the coding strand, the complement: BRCA1 is on the minus strand). VCF-style: chr17-43055643-C-T. GRCh37 (hg19) VCF-style: chr17-41207660-C-T.
Other names: IVS 20+1409G>A; c.1824+1409G>A (NM_001408458.1, NM_001408461.1, NM_001408464.1 and 7 more transcripts); c.4386+1409G>A (NM_001407967.1); c.4896+1409G>A (NM_001407959.1); c.5010+1409G>A (NM_001407931.1, NM_001407932.1, NM_001407928.1 and 4 more transcripts); c.5133+1409G>A (NM_001407747.1, NM_001407745.1, NM_001407737.1 and 21 more transcripts); c.4893+1409G>A (NM_001407962.1, NM_001407960.1); c.1464+1409G>A (NM_001408512.1); and 73 more.
Identifiers: ClinVar variation 209284 (VCV000209284.2), dbSNP rs36113921, ClinGen allele CA276256.
Genomic context (GRCh38, chr17:43,055,643, plus strand): 5'-GAGACCAGCCTGGCCAACATGTTGAAACCTTGTTTCTATTAAAAATACAAAAAACTATCT[C>T]GGTGTGGTGGCACGTGCCTGTAATCCCAGCTATTTGGGAGGCTAAGGCACGAGAATCACT-3'